The following is an entry in ClinVar:

ClinVar aggregate classification (germline): Uncertain significance (1 of 4 stars; one submission).

Submission:

GeneDx
Classification: Uncertain significance. Last evaluated: 2026-03-15. Review status: criteria provided, single submitter. Criteria: GeneDx Variant Classification Process June 2021. Collection method: clinical testing. Allele origin: germline.
Comment: Not observed at significant frequency in large population cohorts (gnomAD); In silico analysis suggests that this variant does not alter splicing; Has not been previously published as pathogenic or benign to our knowledge

NM_001037333.3(CYFIP2):c.901-13G>T

Gene: CYFIP2 (cytoplasmic FMR1 interacting protein 2; plus strand). Cytogenetic location: 5q33.3.
Variant type: single nucleotide variant.
Coding change: c.901-13G>T on transcript NM_001037333.3 (MANE Select); 13 bases into the intron before coding-DNA position 901, G replaced by T.
Molecular consequence: intron variant.
Genome position (GRCh38, 1-based): chr5:157,309,730, G>T. VCF-style: chr5-157309730-G-T. GRCh37 (hg19) VCF-style: chr5-156736738-G-T.
Other names: c.901-13G>T (NM_001291722.2, NM_014376.4); c.823-13G>T (NM_001291721.2).
Identifiers: ClinVar variation 5009038 (VCV005009038.1).
Genomic context (GRCh38, chr5:157,309,730, plus strand): 5'-GTGGGGTGGCAGCGAAGGCAGCCACCCCAACCCCTCCTCAGCATCTCACGAGCTGTGTTT[G>T]CTTCCTTTGCAGCAGCTGCAGGTGGTGCCCCTTTTCGGCGACATGCAGATAGAGCTGGCC-3'